The following is an entry in ClinVar:

ClinVar aggregate classification (germline): Uncertain significance (1 of 4 stars; one submission).

Submission:

Labcorp Genetics (formerly Invitae), Labcorp
Classification: Uncertain significance. Last evaluated: 2024-04-15. Review status: criteria provided, single submitter. Criteria: Invitae Variant Classification Sherloc (09022015). Collection method: clinical testing. Allele origin: germline.
Comment: This sequence change replaces serine, which is neutral and polar, with proline, which is neutral and non-polar, at codon 403 of the HERC1 protein (p.Ser403Pro). This variant is not present in population databases (gnomAD no frequency). This variant has not been reported in the literature in individuals affected with HERC1-related conditions. Advanced modeling of protein sequence and biophysical properties (such as structural, functional, and spatial information, amino acid conservation, physicochemical variation, residue mobility, and thermodynamic stability) performed at Invitae indicates that this missense variant is not expected to disrupt HERC1 protein function with a negative predictive value of 80%. In summary, the available evidence is currently insufficient to determine the role of this variant in disease. Therefore, it has been classified as a Variant of Uncertain Significance.

NM_003922.4(HERC1):c.1207T>C (p.Ser403Pro)

Gene: HERC1 (HECT and RLD domain containing E3 ubiquitin protein ligase family member 1; minus strand). Cytogenetic location: 15q22.31.
Variant type: single nucleotide variant.
Coding change: c.1207T>C on transcript NM_003922.4 (MANE Select); coding-DNA position 1207, T replaced by C.
Protein change: p.Ser403Pro; replaces serine 403 with proline.
Molecular consequence: missense variant.
Genome position (GRCh38, 1-based): chr15:63,758,189, A>G on the plus strand (T>C on the coding strand, the complement: HERC1 is on the minus strand). VCF-style: chr15-63758189-A-G. GRCh37 (hg19) VCF-style: chr15-64050388-A-G.
Other names: short protein forms S403P.
Identifiers: ClinVar variation 3645590 (VCV003645590.2).